The following is an entry in ClinVar:

ClinVar aggregate classification (germline): Uncertain significance (1 of 4 stars; one submission).

Conditions:
Inborn genetic diseases. Identifiers: MedGen C0950123, MeSH D030342.

Submission:

Ambry Genetics
Classification: Uncertain significance for Inborn genetic diseases. Last evaluated: 2024-11-08. Review status: criteria provided, single submitter. Criteria: Ambry Variant Classification Scheme 2023. Collection method: clinical testing. Allele origin: germline.
Comment: The p.H878P variant (also known as c.2633A>C), located in coding exon 17 of the PIK3CA gene, results from an A to C substitution at nucleotide position 2633. The histidine at codon 878 is replaced by proline, an amino acid with similar properties. This amino acid position is conserved. In addition, this alteration is predicted to be deleterious by in silico analysis. Based on the available evidence, the clinical significance of this variant remains unclear.

NM_006218.4(PIK3CA):c.2633A>C (p.His878Pro)

Gene: PIK3CA (phosphatidylinositol-4,5-bisphosphate 3-kinase catalytic subunit alpha; plus strand). Cytogenetic location: 3q26.32.
Variant type: single nucleotide variant.
Coding change: c.2633A>C on transcript NM_006218.4 (MANE Select); coding-DNA position 2633, A replaced by C.
Protein change: p.His878Pro; replaces histidine 878 with proline.
Molecular consequence: missense variant.
Genome position (GRCh38, 1-based): chr3:179,229,409, A>C. VCF-style: chr3-179229409-A-C. GRCh37 (hg19) VCF-style: chr3-178947197-A-C.
Other names: short protein forms H878P.
Identifiers: ClinVar variation 3418548 (VCV003418548.1).